The following is an entry in ClinVar:

NM_021096.4(CACNA1I):c.4058A>G (p.Asn1353Ser)

Gene: CACNA1I (calcium voltage-gated channel subunit alpha1 I; plus strand). Cytogenetic location: 22q13.1.
Variant type: single nucleotide variant.
Coding change: c.4058A>G on transcript NM_021096.4 (MANE Select); coding-DNA position 4058, A replaced by G.
Protein change: p.Asn1353Ser; replaces asparagine 1353 with serine.
Molecular consequence: missense variant.
Genome position (GRCh38, 1-based): chr22:39,665,960, A>G. VCF-style: chr22-39665960-A-G. GRCh37 (hg19) VCF-style: chr22-40061965-A-G.
Other names: c.3953A>G, p.Asn1318Ser (NM_001003406.2); short protein forms N1318S, N1353S.
Identifiers: ClinVar variation 4217894 (VCV004217894.2).

ClinVar aggregate classification (germline): Uncertain significance. Review status: criteria provided, multiple submitters, no conflicts (2 of 4 stars). 2 submissions from 2 submitters: Uncertain significance (2). Last evaluated 2025-12-21.

Conditions:
CACNA1I-related disorder. Also called: CACNA1I-related condition.

gnomAD v4.1: 12 of 1,613,848 alleles (0.00074%); highest among the groups gnomAD compares: Middle Eastern, 0.017%; no homozygotes.

Submissions (2):

PreventionGenetics, part of Exact Sciences
Classification: Uncertain significance for CACNA1I-related condition. Last evaluated: 2025-12-21. Review status: criteria provided, single submitter. Criteria: ACMG Guidelines, 2015. Collection method: clinical testing. Allele origin: germline.
Comment: The CACNA1I c.4058A>G variant is predicted to result in the amino acid substitution p.Asn1353Ser. To our knowledge, this variant has not been reported in the literature. This variant is reported in 0.0029% of alleles in individuals of Latino descent in gnomAD. Although we suspect that this variant may be benign, at this time, the clinical significance of this variant is uncertain due to the absence of conclusive functional and genetic evidence.

Ambry Genetics
Classification: Uncertain significance. Last evaluated: 2025-06-24. Review status: criteria provided, single submitter. Criteria: Ambry Variant Classification Scheme 2023. Collection method: clinical testing. Allele origin: germline.